The following is an entry in ClinVar:

ClinVar aggregate classification (germline): Uncertain significance. Review status: criteria provided, multiple submitters, no conflicts (2 of 4 stars). 2 submissions from 2 submitters: Uncertain significance (2). Last evaluated 2024-08-11.

Conditions:
Autosomal recessive dyskeratosis congenita. Identifiers: MedGen C3502105.
Hoyeraal-Hreidarsson syndrome (HHS). Also called: CEREBELLAR HYPOPLASIA WITH PANCYTOPENIA. Identifiers: Orphanet 3322, MedGen C1846142, MONDO:0018045.

Allele frequency attached by ClinVar (database versions not stated): gnomAD exomes 0.00003 and 0.00008; ExAC 0.00012; gnomAD 0.00031 and 0.00029; TOPMed 0.00033; ESP Exome Variant Server 0.00038; 1000 Genomes Project 0.00040; 1000 Genomes Project 30x 0.00047.

Submissions (2):

Ambry Genetics
Classification: Uncertain significance. Last evaluated: 2024-08-11. Review status: criteria provided, single submitter. Criteria: Ambry Variant Classification Scheme 2023. Collection method: clinical testing. Allele origin: germline.

Labcorp Genetics (formerly Invitae), Labcorp
Classification: Uncertain significance for Hoyeraal-Hreidarsson syndrome; Autosomal recessive dyskeratosis congenita. Last evaluated: 2024-01-29. Review status: criteria provided, single submitter. Criteria: Invitae Variant Classification Sherloc (09022015). Collection method: clinical testing. Allele origin: germline.
Comment: This sequence change replaces arginine, which is basic and polar, with histidine, which is basic and polar, at codon 283 of the DCLRE1B protein (p.Arg283His). This variant is present in population databases (rs143568469, gnomAD 0.08%), and has an allele count higher than expected for a pathogenic variant. This variant has not been reported in the literature in individuals affected with DCLRE1B-related conditions. ClinVar contains an entry for this variant (Variation ID: 835889). Algorithms developed to predict the effect of missense changes on protein structure and function output the following: SIFT: "Not Available"; PolyPhen-2: "Benign"; Align-GVGD: "Not Available". The histidine amino acid residue is found in multiple mammalian species, which suggests that this missense change does not adversely affect protein function. In summary, the available evidence is currently insufficient to determine the role of this variant in disease. Therefore, it has been classified as a Variant of Uncertain Significance.

NM_022836.4(DCLRE1B):c.848G>A (p.Arg283His)

Gene: DCLRE1B (DNA cross-link repair 1B; plus strand). Cytogenetic location: 1p13.2.
Variant type: single nucleotide variant.
Coding change: c.848G>A on transcript NM_022836.4 (MANE Select); coding-DNA position 848, G replaced by A.
Protein change: p.Arg283His; replaces arginine 283 with histidine.
Molecular consequence: missense variant.
Genome position (GRCh38, 1-based): chr1:113,911,440, G>A. VCF-style: chr1-113911440-G-A. GRCh37 (hg19) VCF-style: chr1-114454062-G-A.
Other names: c.470G>A, p.Arg157His (NM_001319946.2, NM_001319947.2, NM_001363691.2); c.848G>A, p.Arg283His (NM_001363690.2); short protein forms R283H, R157H.
Identifiers: ClinVar variation 835889 (VCV000835889.11), dbSNP rs143568469, ClinGen allele CA1016478.